The following is an entry in ClinVar:

ClinVar aggregate classification (germline): Likely benign. Review status: criteria provided, multiple submitters, no conflicts (2 of 4 stars). 2 submissions from 2 submitters: Likely benign (2). Last evaluated 2025-08-07.

Allele frequency attached by ClinVar (database versions not stated): gnomAD exomes 0.00001 and 0.00003; gnomAD 0.00002; TOPMed 0.00003.

Submissions (2):

Labcorp Genetics (formerly Invitae), Labcorp
Classification: Likely benign. Last evaluated: 2025-08-07. Review status: criteria provided, single submitter. Criteria: Invitae Variant Classification Sherloc (09022015). Collection method: clinical testing. Allele origin: germline.

GeneDx
Classification: Likely benign. Last evaluated: 2018-02-02. Review status: criteria provided, single submitter. Criteria: GeneDx Variant Classification (06012015). Collection method: clinical testing. Allele origin: germline. Affected: yes.
Comment: This variant is considered likely benign or benign based on one or more of the following criteria: it is a conservative change, it occurs at a poorly conserved position in the protein, it is predicted to be benign by multiple in silico algorithms, and/or has population frequency not consistent with disease.

NM_005002.5(NDUFA9):c.666G>A (p.Arg222=)

Gene: NDUFA9 (NADH:ubiquinone oxidoreductase subunit A9; plus strand). Cytogenetic location: 12p13.32.
Variant type: single nucleotide variant.
Coding change: c.666G>A on transcript NM_005002.5 (MANE Select); coding-DNA position 666, G replaced by A.
Protein change: p.Arg222=; no amino-acid change (arginine 222 retained).
Molecular consequence: synonymous variant.
Genome position (GRCh38, 1-based): chr12:4,668,467, G>A. VCF-style: chr12-4668467-G-A. GRCh37 (hg19) VCF-style: chr12-4777633-G-A.
Identifiers: ClinVar variation 514793 (VCV000514793.3), dbSNP rs966066971, ClinGen allele CA231827982.